The following is an entry in ClinVar:

ClinVar aggregate classification (germline): Pathogenic/Likely pathogenic. Review status: criteria provided, multiple submitters, no conflicts (2 of 4 stars). 4 submissions from 4 submitters: Pathogenic (2); Likely pathogenic (1). 1 of the submissions does not count toward it. Last evaluated 2024-07-18.

Conditions:
Hereditary cancer-predisposing syndrome. Also called: Neoplastic Syndromes, Hereditary; Hereditary Cancer Syndrome; Tumor predisposition; Hereditary neoplastic syndrome. Identifiers: Orphanet 140162, MedGen C0027672, MeSH D009386, MONDO:0015356.
Familial adenomatous polyposis 1 (FAP1). Also called: FAMILIAL ADENOMATOUS POLYPOSIS 1, ATTENUATED; POLYPOSIS, ADENOMATOUS INTESTINAL. Identifiers: MedGen C2713442, MONDO:0021056, OMIM 175100. Disease mechanism: loss of function.

Submissions (4):

Ambry Genetics
Classification: Likely pathogenic for Hereditary cancer-predisposing syndrome. Last evaluated: 2024-07-18. Review status: criteria provided, single submitter. Criteria: Ambry Variant Classification Scheme 2023. Collection method: clinical testing. Allele origin: germline.
Comment: The c.4174delT variant, located in coding exon 15 of the APC gene, results from a deletion of one nucleotide at nucleotide position 4174, causing a translational frameshift with a predicted alternate stop codon (p.S1392Hfs*23). This alteration occurs at the 3' terminus of theAPC gene, is not expected to trigger nonsense-mediated mRNA decay, and only impacts the last 51% of the protein. However, premature stop codons are typically deleterious in nature, the impacted region is critical for protein function, and a significant portion of the protein is affected (Ambry internal data). This variant is considered to be rare based on population cohorts in the Genome Aggregation Database (gnomAD). Based on the majority of available evidence to date, this variant is likely to be pathogenic.

Myriad Genetics, Inc.
Classification: Pathogenic for Familial adenomatous polyposis 1. Last evaluated: 2023-05-10. Review status: criteria provided, single submitter. Criteria: Myriad Autosomal Dominant, Autosomal Recessive and X-Linked Classification Criteria (2023). Collection method: clinical testing. Allele origin: unknown.
Comment: This variant is considered pathogenic. This variant creates a frameshift predicted to result in premature protein truncation.

Labcorp Genetics (formerly Invitae), Labcorp
Classification: Pathogenic for Familial adenomatous polyposis 1. Last evaluated: 2022-12-07. Review status: criteria provided, single submitter. Criteria: Invitae Variant Classification Sherloc (09022015). Collection method: clinical testing. Allele origin: germline.
Comment: This sequence change creates a premature translational stop signal (p.Ser1392Hisfs*23) in the APC gene. While this is not anticipated to result in nonsense mediated decay, it is expected to disrupt the last 1452 amino acid(s) of the APC protein. This variant is not present in population databases (gnomAD no frequency). This variant has not been reported in the literature in individuals affected with APC-related conditions. ClinVar contains an entry for this variant (Variation ID: 970781). This variant is expected to disrupt the EB1 and HDLG binding sites, which mediate interactions with the cytoskeleton (PMID: 15311282, 17293347). While functional studies have not been performed to directly test the effect on APC protein function, this suggests that disruption of the C-terminal portion of the protein is functionally important. For these reasons, this variant has been classified as Pathogenic. A different truncation (p.Tyr2645Lysfs*14) that lies downstream of this variant has been determined to be pathogenic (PMID: 9824584, 1316610, 27081525, 8381579, 22135120, Invitae). This suggests that deletion of this region of the APC protein is causative of disease.

Genomics And Bioinformatics Analysis Resource, Columbia University
Classification: Likely pathogenic for Familial adenomatous polyposis 1. Review status: no assertion criteria provided. Collection method: research. Allele origin: unknown. Affected: yes. Not counted in ClinVar's aggregate classification.

Literature cited by the submitters: PubMed 15311282 (cited by Labcorp Genetics (formerly Invitae), Labcorp); PubMed 17293347 (cited by Labcorp Genetics (formerly Invitae), Labcorp); PubMed 9824584 (cited by Labcorp Genetics (formerly Invitae), Labcorp); PubMed 1316610 (cited by Labcorp Genetics (formerly Invitae), Labcorp); PubMed 27081525 (cited by Labcorp Genetics (formerly Invitae), Labcorp); PubMed 8381579 (cited by Labcorp Genetics (formerly Invitae), Labcorp); PubMed 22135120 (cited by Labcorp Genetics (formerly Invitae), Labcorp).

NM_000038.6(APC):c.4174del (p.Ser1392fs)

Gene: APC (APC regulator of Wnt signaling pathway; plus strand). Cytogenetic location: 5q22.2.
Variant type: Deletion.
Coding change: c.4174del on transcript NM_000038.6 (MANE Select); coding-DNA position 4174, one base deleted (T; older notation c.4174delT).
Protein change: p.Ser1392fs; shifts the reading frame from serine 1392.
Molecular consequence: frameshift variant.
Genome position (GRCh38, 1-based): chr5:112,839,768, T deleted; the last of 2 consecutive T bases (chr5:112,839,767-112,839,768); deleting either gives the same sequence. VCF-style (leftmost placement, unchanged base first): chr5-112839766-GT-G. GRCh37 (hg19) VCF-style: chr5-112175463-GT-G.
Other names: c.4174delT (NM_000038.6, NM_000038.5); c.4174del, p.Ser1392fs (NM_001127510.3, NM_001354895.2); c.4120del, p.Ser1374fs (NM_001127511.3); c.4228del, p.Ser1410fs (NM_001354896.2); c.4204del, p.Ser1402fs (NM_001354897.2); c.4099del, p.Ser1367fs (NM_001354898.2); c.4090del, p.Ser1364fs (NM_001354899.2); c.4051del, p.Ser1351fs (NM_001354900.2); and 6 more; short protein forms S1232fs, S1266fs, S1291fs, S1367fs, S1109fs, S1351fs, S1410fs, S1301fs.
Identifiers: ClinVar variation 970781 (VCV000970781.14), dbSNP rs1765620003, ClinGen allele CA1139659013.